The following is an entry in ClinVar:

ClinVar aggregate classification (germline): Uncertain significance (1 of 4 stars; one submission).

Submission:

CeGaT Center for Human Genetics Tuebingen
Classification: Uncertain significance. Last evaluated: 2025-11-01. Review status: criteria provided, single submitter. Criteria: CeGaT Center For Human Genetics Tuebingen Variant Classification Criteria Version 2. Collection method: clinical testing. Allele origin: germline. Affected: yes. Observed: 1 variant allele.
Comment: CPA6: PM2, PP3

NM_020361.5(CPA6):c.1126+4A>G

Genes: ARFGEF1-DT (ARFGEF1 divergent transcript; plus strand), CPA6 (carboxypeptidase A6; minus strand). Cytogenetic location: 8q13.2.
Variant type: single nucleotide variant.
Coding change: c.1126+4A>G on transcript NM_020361.5 (MANE Select); 4 bases into the intron after coding-DNA position 1126, A replaced by G.
Molecular consequence: intron variant.
Genome position (GRCh38, 1-based): chr8:67,428,043, T>C on the plus strand (A>G on the coding strand, the complement: CPA6 is on the minus strand). VCF-style: chr8-67428043-T-C. GRCh37 (hg19) VCF-style: chr8-68340278-T-C.
Identifiers: ClinVar variation 4535130 (VCV004535130.6).
Genomic context (GRCh38, chr8:67,428,043, plus strand): 5'-AGTCATGATACAGGATATTGGTTCAAGAGAGAGGATTCTAACACAATGTACGCAGGAAAC[T>C]TACACAACGTTGTGGAGGCTGGTCCATATCTGTATCGTACCCCGTATACTGACTGAAGTG-3'